The following is an entry in ClinVar:

ClinVar aggregate classification (germline): Likely benign (1 of 4 stars; one submission).

Submission:

CeGaT Center for Human Genetics Tuebingen
Classification: Likely benign. Last evaluated: 2026-07-01. Review status: criteria provided, single submitter. Criteria: CeGaT Center For Human Genetics Tuebingen Variant Classification Criteria Version 2. Collection method: clinical testing. Allele origin: germline. Affected: yes. Observed: 3 variant alleles.
Comment: KIF26A: PM2:Supporting, BP4, BP7

NM_015656.2(KIF26A):c.669C>A (p.Ala223=)

Gene: KIF26A (kinesin family member 26A; plus strand). Cytogenetic location: 14q32.33.
Variant type: single nucleotide variant.
Coding change: c.669C>A on transcript NM_015656.2 (MANE Select); coding-DNA position 669, C replaced by A.
Protein change: p.Ala223=; no amino-acid change (alanine 223 retained).
Molecular consequence: synonymous variant.
Genome position (GRCh38, 1-based): chr14:104,152,395, C>A. VCF-style: chr14-104152395-C-A. GRCh37 (hg19) VCF-style: chr14-104618732-C-A.
Identifiers: ClinVar variation 4872902 (VCV004872902.2).